The following is an entry in ClinVar:

NM_018055.5(NODAL):c.959C>T (p.Pro320Leu)

Gene: NODAL (nodal growth differentiation factor; minus strand). Cytogenetic location: 10q22.1.
Variant type: single nucleotide variant.
Coding change: c.959C>T on transcript NM_018055.5 (MANE Select); coding-DNA position 959, C replaced by T.
Protein change: p.Pro320Leu; replaces proline 320 with leucine.
Molecular consequence: missense variant.
Genome position (GRCh38, 1-based): chr10:70,433,021, G>A on the plus strand (C>T on the coding strand, the complement: NODAL is on the minus strand). VCF-style: chr10-70433021-G-A. GRCh37 (hg19) VCF-style: chr10-72192777-G-A.
Other names: c.959C>T (NM_018055.4); c.560C>T, p.Pro187Leu (NM_001329906.2); short protein forms P320L, P187L.
Identifiers: ClinVar variation 1468471 (VCV001468471.26), dbSNP rs147251818, ClinGen allele CA5537491.
Genomic context (GRCh38, chr10:70,433,021, plus strand): 5'-ATCATGTCTTTATGGTGATCTAGGAGCACTCTGCCATTATCCACATACAGCATGCTCAGC[G>A]GCTTGGTCTTCACTGGGGCACAACAAGTGGAAGGGACTCGGTGGGGCTGGTAACGTTTCA-3'
Protein context (NP_060525.3, residues 310-330): STCCAPVKTK[Pro320Leu]LSMLYVDNGR

ClinVar aggregate classification (germline): Uncertain significance. Review status: criteria provided, multiple submitters, no conflicts (2 of 4 stars). 3 submissions from 3 submitters: Uncertain significance (3). Last evaluated 2025-01-27.

Conditions:
Inborn genetic diseases. Identifiers: MedGen C0950123, MeSH D030342.
Heterotaxy, visceral, 5, autosomal (HTX5). Also called: Heterotaxy, visceral, 5. Identifiers: Orphanet 450, MedGen C3495537, MONDO:0700112, OMIM 270100.

Allele frequency attached by ClinVar (database versions not stated): gnomAD 0.00001; gnomAD exomes 0.00001 and 0.00002; ExAC 0.00002; TOPMed 0.00003; ESP Exome Variant Server 0.00008.
gnomAD v4.1: 19 of 1,613,902 alleles (0.0012%); highest among the groups gnomAD compares: Admixed American, 0.0033%; no homozygotes.

Submissions (3):

Ambry Genetics
Classification: Uncertain significance for Inborn genetic diseases. Last evaluated: 2025-01-27. Review status: criteria provided, single submitter. Criteria: Ambry Variant Classification Scheme 2023. Collection method: clinical testing. Allele origin: germline.

CeGaT Center for Human Genetics Tuebingen
Classification: Uncertain significance. Last evaluated: 2024-05-01. Review status: criteria provided, single submitter. Criteria: CeGaT Center For Human Genetics Tuebingen Variant Classification Criteria Version 2. Collection method: clinical testing. Allele origin: germline. Affected: yes. Observed: 1 variant allele.

Labcorp Genetics (formerly Invitae), Labcorp
Classification: Uncertain significance for Heterotaxy, visceral, 5, autosomal. Last evaluated: 2022-07-06. Review status: criteria provided, single submitter. Criteria: Invitae Variant Classification Sherloc (09022015). Collection method: clinical testing. Allele origin: germline.
Comment: This variant has not been reported in the literature in individuals affected with NODAL-related conditions. In summary, the available evidence is currently insufficient to determine the role of this variant in disease. Therefore, it has been classified as a Variant of Uncertain Significance. Algorithms developed to predict the effect of missense changes on protein structure and function are either unavailable or do not agree on the potential impact of this missense change (SIFT: "Deleterious"; PolyPhen-2: "Probably Damaging"; Align-GVGD: "Class C15"). ClinVar contains an entry for this variant (Variation ID: 1468471). This variant is present in population databases (rs147251818, gnomAD 0.004%). This sequence change replaces proline, which is neutral and non-polar, with leucine, which is neutral and non-polar, at codon 320 of the NODAL protein (p.Pro320Leu).